The following is an entry in ClinVar:

ClinVar aggregate classification (germline): Uncertain significance (1 of 4 stars; one submission).

Conditions:
Polycystic kidney disease 4 (PKD4). Also called: PKD3; POLYCYSTIC KIDNEY AND HEPATIC DISEASE 1; POLYCYSTIC KIDNEY DISEASE, INFANTILE, TYPE I; POLYCYSTIC KIDNEY DISEASE 4 WITH OR WITHOUT POLYCYSTIC LIVER DISEASE; Autosomal Recessive Polycystic Kidney Disease – PKHD1. Identifiers: MedGen C4540575, MONDO:0033004, OMIM 263200.

Submission:

Myriad Genetics, Inc.
Classification: Uncertain significance for Polycystic kidney disease 4. Last evaluated: 2026-02-20. Review status: criteria provided, single submitter. Criteria: Myriad Autosomal Dominant, Autosomal Recessive and X-Linked Classification Criteria (2023). Collection method: clinical testing. Allele origin: unknown.
Comment: NM_138694.3(PKHD1):c.5588G>T(G1863V) is a missense variant classified as a variant of uncertain significance in the context of autosomal recessive polycystic kidney disease, PKHD1-related. G1863V has been observed in a case with relevant disease (PMID: 39473742). Relevant functional assessments of this variant are not available in the literature. G1863V has not been observed in referenced population frequency databases. In summary, there is insufficient evidence to classify NM_138694.3(PKHD1):c.5588G>T(G1863V) as pathogenic or benign. Please note: this variant was assessed in the context of healthy population screening.

Literature cited by the submitters: PubMed 39473742.

NM_138694.4(PKHD1):c.5588G>T (p.Gly1863Val)

Gene: PKHD1 (PKHD1 ciliary IPT domain containing fibrocystin/polyductin; minus strand). Cytogenetic location: 6p12.2.
Variant type: single nucleotide variant.
Coding change: c.5588G>T on transcript NM_138694.4 (MANE Select); coding-DNA position 5588, G replaced by T.
Protein change: p.Gly1863Val; replaces glycine 1863 with valine.
Molecular consequence: missense variant.
Genome position (GRCh38, 1-based): chr6:52,017,422, C>A on the plus strand (G>T on the coding strand, the complement: PKHD1 is on the minus strand). VCF-style: chr6-52017422-C-A. GRCh37 (hg19) VCF-style: chr6-51882220-C-A.
Other names: c.5588G>T, p.Gly1863Val (NM_170724.3); short protein forms G1863V.
Identifiers: ClinVar variation 5004483 (VCV005004483.1).
Genomic context (GRCh38, chr6:52,017,422, plus strand): 5'-TGGCCAAGCATTTGTGGGGAAGTTCAGGGAGGGAGAAGGTAAAGTTACCTGATAAAGAGG[C>A]CCGAGAATGATGGAAACATTGACTCTGCCCAATGATCTGGCACAAAGAGGCATTGGGAAC-3'
Protein context (NP_619639.3, residues 1853-1873): WAESMFPSFS[Gly1863Val]LFISPKLERD